The following is an entry in ClinVar:

ClinVar aggregate classification (germline): Pathogenic (1 of 4 stars; one submission).

Conditions:
Long QT syndrome (LQTS). Identifiers: MedGen C0023976, MeSH D008133, MONDO:0002442. Disease mechanism: loss of function. Inheritance: Various modes of inheritance.

Submission:

Labcorp Genetics (formerly Invitae), Labcorp
Classification: Pathogenic for Long QT syndrome. Last evaluated: 2024-07-09. Review status: criteria provided, single submitter. Criteria: Invitae Variant Classification Sherloc (09022015). Collection method: clinical testing. Allele origin: germline.
Comment: This sequence change replaces aspartic acid, which is acidic and polar, with alanine, which is neutral and non-polar, at codon 501 of the KCNH2 protein (p.Asp501Ala). This variant is not present in population databases (gnomAD no frequency). This missense change has been observed in individual(s) with long QT syndrome (Invitae). In at least one individual the variant was observed to be de novo. An algorithm developed to predict the effect of missense changes on protein structure and function (PolyPhen-2) suggests that this variant is likely to be disruptive. This variant disrupts the p.Asp501 amino acid residue in KCNH2. Other variant(s) that disrupt this residue have been determined to be pathogenic (PMID: 12402336, 14998624, 17088455, 25254353). This suggests that this residue is clinically significant, and that variants that disrupt this residue are likely to be disease-causing. For these reasons, this variant has been classified as Pathogenic.

Literature cited by the submitters: PubMed 12402336; PubMed 14998624; PubMed 17088455; PubMed 25254353.

NM_000238.4(KCNH2):c.1502A>C (p.Asp501Ala)

Gene: KCNH2 (potassium voltage-gated channel subfamily H member 2; minus strand). Cytogenetic location: 7q36.1.
Variant type: single nucleotide variant.
Coding change: c.1502A>C on transcript NM_000238.4 (MANE Select); coding-DNA position 1502, A replaced by C.
Protein change: p.Asp501Ala; replaces aspartic acid 501 with alanine.
Molecular consequence: missense variant. On other transcripts: non-coding transcript variant (2).
Genome position (GRCh38, 1-based): chr7:150,952,480, T>G on the plus strand (A>C on the coding strand, the complement: KCNH2 is on the minus strand). VCF-style: chr7-150952480-T-G. GRCh37 (hg19) VCF-style: chr7-150649568-T-G.
Other names: c.482A>C, p.Asp161Ala (NM_001204798.2, NM_172057.3); c.1214A>C, p.Asp405Ala (NM_001406753.1, NM_001406756.1); c.1325A>C, p.Asp442Ala (NM_001406755.1); c.1202A>C, p.Asp401Ala (NM_001406757.1); c.1502A>C, p.Asp501Ala (NM_172056.3); short protein forms D401A, D501A, D161A, D405A, D442A.
Identifiers: ClinVar variation 3657287 (VCV003657287.2).